The following is an entry in ClinVar:

NM_004714.3(DYRK1B):c.205C>T (p.Arg69Trp)

Gene: DYRK1B (dual specificity tyrosine phosphorylation regulated kinase 1B; minus strand). Cytogenetic location: 19q13.2.
Variant type: single nucleotide variant.
Coding change: c.205C>T on transcript NM_004714.3 (MANE Select); coding-DNA position 205, C replaced by T.
Protein change: p.Arg69Trp; replaces arginine 69 with tryptophan.
Molecular consequence: missense variant.
Genome position (GRCh38, 1-based): chr19:39,830,542, G>A on the plus strand (C>T on the coding strand, the complement: DYRK1B is on the minus strand). VCF-style: chr19-39830542-G-A. GRCh37 (hg19) VCF-style: chr19-40321182-G-A.
Other names: c.205C>T, p.Arg69Trp (NM_006483.3, NM_006484.3); short protein forms R69W.
Identifiers: ClinVar variation 4981576 (VCV004981576.1).

ClinVar aggregate classification (germline): Uncertain significance (1 of 4 stars; one submission).

Conditions:
DYRK1B-related disorder. Also called: DYRK1B-related condition.

Submission:

PreventionGenetics, part of Exact Sciences
Classification: Uncertain significance for DYRK1B-related condition. Last evaluated: 2025-10-06. Review status: criteria provided, single submitter. Criteria: ACMG Guidelines, 2015. Collection method: clinical testing. Allele origin: germline.
Comment: The DYRK1B c.205C>T variant is predicted to result in the amino acid substitution p.Arg69Trp. To our knowledge, this variant has not been reported in the literature. This variant is reported in 0.0085% of alleles in individuals of European (Non-Finnish) descent in gnomAD. At this time, the clinical significance of this variant is uncertain due to the absence of conclusive functional and genetic evidence.